The following is an entry in ClinVar:

ClinVar aggregate classification (germline): Uncertain significance (1 of 4 stars; one submission).

Conditions:
Cardiovascular phenotype. Identifiers: MedGen CN230736.

Submission:

Ambry Genetics
Classification: Uncertain significance for Cardiovascular phenotype. Last evaluated: 2026-07-02. Review status: criteria provided, single submitter. Criteria: Ambry Variant Classification Scheme 2023. Collection method: clinical testing. Allele origin: germline.
Comment: The p.E2471D variant (also known as c.7413G>C), located in coding exon 26 of the APOB gene, results from a G to C substitution at nucleotide position 7413. The glutamic acid at codon 2471 is replaced by aspartic acid, an amino acid with highly similar properties. This amino acid position is conserved. In addition, this alteration is predicted to be tolerated by in silico analysis. Based on the available evidence, the clinical significance of this variant remains unclear.

NM_000384.3(APOB):c.7413G>C (p.Glu2471Asp)

Gene: APOB (apolipoprotein B; minus strand). Cytogenetic location: 2p24.1.
Variant type: single nucleotide variant.
Coding change: c.7413G>C on transcript NM_000384.3 (MANE Select); coding-DNA position 7413, G replaced by C.
Protein change: p.Glu2471Asp; replaces glutamic acid 2471 with aspartic acid.
Molecular consequence: missense variant.
Genome position (GRCh38, 1-based): chr2:21,009,455, C>G on the plus strand (G>C on the coding strand, the complement: APOB is on the minus strand). VCF-style: chr2-21009455-C-G. GRCh37 (hg19) VCF-style: chr2-21232327-C-G.
Other names: short protein forms E2471D.
Identifiers: ClinVar variation 5027427 (VCV005027427.1).